The following is an entry in ClinVar:

NM_022464.5(SIL1):c.1066A>G (p.Met356Val)

Gene: SIL1 (SIL1 nucleotide exchange factor; minus strand). Cytogenetic location: 5q31.2.
Variant type: single nucleotide variant.
Coding change: c.1066A>G on transcript NM_022464.5 (MANE Select); coding-DNA position 1066, A replaced by G.
Protein change: p.Met356Val; replaces methionine 356 with valine.
Molecular consequence: missense variant.
Genome position (GRCh38, 1-based): chr5:138,947,437, T>C on the plus strand (A>G on the coding strand, the complement: SIL1 is on the minus strand). VCF-style: chr5-138947437-T-C. GRCh37 (hg19) VCF-style: chr5-138283126-T-C.
Other names: c.1066A>G, p.Met356Val (NM_001037633.2); short protein forms M356V.
Identifiers: ClinVar variation 2080028 (VCV002080028.1), dbSNP rs1201493559, ClinGen allele CA361136979.

ClinVar aggregate classification (germline): Uncertain significance (1 of 4 stars; one submission).

Conditions:
Marinesco-Sjögren syndrome (MSS). Also called: Marinesco-Sjogren Syndrome; Marinesco-SjÃ¶gren syndrome. Identifiers: Orphanet 559, MedGen C0024814, MONDO:0009567, OMIM 248800.

Allele frequency attached by ClinVar (database versions not stated): gnomAD exomes below 0.00001.
gnomAD v4.1: 2 of 1,613,366 alleles (0.00012%); highest among the groups gnomAD compares: Admixed American, 0.0033%; no homozygotes.

Submission:

Labcorp Genetics (formerly Invitae), Labcorp
Classification: Uncertain significance for Marinesco-Sjögren syndrome. Last evaluated: 2022-05-19. Review status: criteria provided, single submitter. Criteria: Invitae Variant Classification Sherloc (09022015). Collection method: clinical testing. Allele origin: germline.
Comment: This sequence change replaces methionine, which is neutral and non-polar, with valine, which is neutral and non-polar, at codon 356 of the SIL1 protein (p.Met356Val). This variant is present in population databases (no rsID available, gnomAD 0.003%). This variant has not been reported in the literature in individuals affected with SIL1-related conditions. Algorithms developed to predict the effect of missense changes on protein structure and function output the following: SIFT: "Tolerated"; PolyPhen-2: "Benign"; Align-GVGD: "Class C0". The valine amino acid residue is found in multiple mammalian species, which suggests that this missense change does not adversely affect protein function. In summary, the available evidence is currently insufficient to determine the role of this variant in disease. Therefore, it has been classified as a Variant of Uncertain Significance.